The following is an entry in ClinVar:

NM_002734.5(PRKAR1A):c.479del (p.Ala160fs)

Gene: PRKAR1A (protein kinase cAMP-dependent type I regulatory subunit alpha; plus strand). Cytogenetic location: 17q24.2.
Variant type: Deletion.
Coding change: c.479del on transcript NM_002734.5 (MANE Select); coding-DNA position 479, one base deleted (C; older notation c.479delC).
Protein change: p.Ala160fs; shifts the reading frame from alanine 160.
Molecular consequence: frameshift variant.
Genome position (GRCh38, 1-based): chr17:68,524,054, C deleted. VCF-style (leftmost placement, unchanged base first): chr17-68524053-GC-G. GRCh37 (hg19) VCF-style: chr17-66520194-GC-G.
Other names: c.479del, p.Ala160fs (NM_001276289.2, NM_001276290.1, NM_001278433.2 and 4 more transcripts); short protein forms A160fs.
Identifiers: ClinVar variation 1377787 (VCV001377787.6), dbSNP rs2143293708, ClinGen allele CA2573154768.

ClinVar aggregate classification (germline): Pathogenic (1 of 4 stars; one submission).

Conditions:
Carney complex, type 1 (CNC1). Also called: CARNEY MYXOMA-ENDOCRINE COMPLEX; CARNEY COMPLEX, TYPE I. Identifiers: Orphanet 1359, MedGen C2607929, MONDO:0008057, OMIM 160980.

Submission:

Labcorp Genetics (formerly Invitae), Labcorp
Classification: Pathogenic for Carney complex, type 1. Last evaluated: 2021-11-02. Review status: criteria provided, single submitter. Criteria: Invitae Variant Classification Sherloc (09022015). Collection method: clinical testing. Allele origin: germline.
Comment: This sequence change creates a premature translational stop signal (p.Ala160Glufs*5) in the PRKAR1A gene. It is expected to result in an absent or disrupted protein product. Loss-of-function variants in PRKAR1A are known to be pathogenic (PMID: 11115848, 19293268). This variant is not present in population databases (gnomAD no frequency). This variant has not been reported in the literature in individuals affected with PRKAR1A-related conditions. For these reasons, this variant has been classified as Pathogenic.

Literature cited by the submitters: PubMed 11115848; PubMed 19293268.